The following is an entry in ClinVar:

NM_003924.4(PHOX2B):c.788T>C (p.Leu263Pro)

Gene: PHOX2B (paired like homeobox 2B; minus strand). Cytogenetic location: 4p13.
Variant type: single nucleotide variant.
Coding change: c.788T>C on transcript NM_003924.4 (MANE Select); coding-DNA position 788, T replaced by C.
Protein change: p.Leu263Pro; replaces leucine 263 with proline.
Molecular consequence: missense variant.
Genome position (GRCh38, 1-based): chr4:41,745,964, A>G on the plus strand (T>C on the coding strand, the complement: PHOX2B is on the minus strand). VCF-style: chr4-41745964-A-G. GRCh37 (hg19) VCF-style: chr4-41747981-A-G.
Other names: short protein forms L263P.
Identifiers: ClinVar variation 1020072 (VCV001020072.8), dbSNP rs1733873637, ClinGen allele CA356737136.
Genomic context (GRCh38, chr4:41,745,964, plus strand): 5'-ATGGAGGTGATGGGGCCGGGGCCGGGAGCCCAGCCTTGTCCAGGGCCCCCAGCCGCAGCC[A>G]GGCCTCCAGCTGCCGCCGCTGCCGCTGCCGCCGCCGCCGCTGCCGCGGCCGCCGCCGCTG-3'
Protein context (NP_003915.2, residues 253-273): AAAAAAAAGG[Leu263Pro]AAAGGPGQGW

ClinVar aggregate classification (germline): Uncertain significance (1 of 4 stars; one submission).

Conditions:
Haddad syndrome (OHD). Also called: Ondine-Hirschsprung disease. Identifiers: Orphanet 99803, MedGen C1859049, MONDO:0020493.

Submission:

Labcorp Genetics (formerly Invitae), Labcorp
Classification: Uncertain significance for Haddad syndrome. Last evaluated: 2020-08-03. Review status: criteria provided, single submitter. Criteria: Invitae Variant Classification Sherloc (09022015). Collection method: clinical testing. Allele origin: germline.
Comment: In summary, the available evidence is currently insufficient to determine the role of this variant in disease. Therefore, it has been classified as a Variant of Uncertain Significance. Algorithms developed to predict the effect of missense changes on protein structure and function are either unavailable or do not agree on the potential impact of this missense change (SIFT: "Deleterious"; PolyPhen-2: "Not Available"; Align-GVGD: "Class C0"). This variant has not been reported in the literature in individuals with PHOX2B-related conditions. This variant is not present in population databases (ExAC no frequency). This sequence change replaces leucine with proline at codon 263 of the PHOX2B protein (p.Leu263Pro). The leucine residue is moderately conserved and there is a moderate physicochemical difference between leucine and proline.